The following is an entry in ClinVar:

NM_001267550.2(TTN):c.4207A>T (p.Arg1403Ter)

Genes: TTN (titin; minus strand), LOC101927055 (uncharacterized LOC101927055; plus strand). Cytogenetic location: 2q31.2.
Variant type: single nucleotide variant.
Coding change: c.4207A>T on transcript NM_001267550.2 (MANE Select); coding-DNA position 4207, A replaced by T.
Protein change: p.Arg1403Ter; replaces arginine 1403 with a stop codon.
Molecular consequence: nonsense.
Genome position (GRCh38, 1-based): chr2:178,778,875, T>A on the plus strand (A>T on the coding strand, the complement: TTN is on the minus strand). VCF-style: chr2-178778875-T-A. GRCh37 (hg19) VCF-style: chr2-179643602-T-A.
Other names: c.4207A>T, p.Arg1403Ter (NM_001256850.1, NM_133378.4, NM_133379.5); c.4069A>T, p.Arg1357Ter (NM_003319.4, NM_133432.3, NM_133437.4); short protein forms R1357*, R1403*.
Identifiers: ClinVar variation 4866253 (VCV004866253.1).

ClinVar aggregate classification (germline): Likely pathogenic (1 of 4 stars; one submission).

Conditions:
Cardiovascular phenotype. Identifiers: MedGen CN230736.

Submission:

Ambry Genetics
Classification: Likely pathogenic for Cardiovascular phenotype. Last evaluated: 2026-05-19. Review status: criteria provided, single submitter. Criteria: Ambry Variant Classification Scheme 2023. Collection method: clinical testing. Allele origin: germline.
Comment: The c.4069A>T (p.R1357*) alteration, located in exon 23 (coding exon 22) of the TTN gene, consists of a A to T substitution at nucleotide position 4069. This changes the amino acid from a arginine (R) to a stop codon at amino acid position 1357. This variant is expected to result in loss of function by premature protein truncation or nonsense-mediated mRNA decay. This variant was not reported in population-based cohorts in the Genome Aggregation Database (gnomAD). This exon is located in the near Z-disk region of the N2-B isoform of the titin protein and is constitutively expressed in TTN transcripts (percent spliced in or PSI 100%). While truncating variants in TTN are present in 1-3% of the general population, truncating variants in the A-band are the most common cause of dilated cardiomyopathy (Herman, 2012; Roberts, 2015). TTN truncating variants encoded in constitutive exons (PSI >90%) have been found to be significantly associated with DCM regardless of their position in titin (Schafer, 2017; Akhtar, 2020; Massier, 2025). Based on the available evidence, this alteration is classified as likely pathogenic.